The following is an entry in ClinVar:

NM_173354.5(SIK1):c.445G>A (p.Asp149Asn)

Gene: SIK1 (salt inducible kinase 1; minus strand). Cytogenetic location: 21q22.3.
Variant type: single nucleotide variant.
Coding change: c.445G>A on transcript NM_173354.5 (MANE Select); coding-DNA position 445, G replaced by A.
Protein change: p.Asp149Asn; replaces aspartic acid 149 with asparagine.
Molecular consequence: missense variant.
Genome position (GRCh38, 1-based): chr21:43,421,692, C>T on the plus strand (G>A on the coding strand, the complement: SIK1 is on the minus strand). VCF-style: chr21-43421692-C-T. GRCh37 (hg19) VCF-style: chr21-44841572-C-T.
Other names: short protein forms D149N.
Identifiers: ClinVar variation 2113475 (VCV002113475.4), dbSNP rs2516967727, ClinGen allele CA410610192.

ClinVar aggregate classification (germline): Uncertain significance (1 of 4 stars; one submission).

Conditions:
Developmental and epileptic encephalopathy, 30 (DEE30). Also called: Epileptic encephalopathy, early infantile, 30. Identifiers: MedGen C4225360, MONDO:0014595, OMIM 616341.

Submission:

Labcorp Genetics (formerly Invitae), Labcorp
Classification: Uncertain significance for Developmental and epileptic encephalopathy, 30. Last evaluated: 2022-03-18. Review status: criteria provided, single submitter. Criteria: Invitae Variant Classification Sherloc (09022015). Collection method: clinical testing. Allele origin: germline.
Comment: In summary, the available evidence is currently insufficient to determine the role of this variant in disease. Therefore, it has been classified as a Variant of Uncertain Significance. Advanced modeling of protein sequence and biophysical properties (such as structural, functional, and spatial information, amino acid conservation, physicochemical variation, residue mobility, and thermodynamic stability) performed at Invitae indicates that this missense variant is expected to disrupt SIK1 protein function. This variant has not been reported in the literature in individuals affected with SIK1-related conditions. This variant is not present in population databases (gnomAD no frequency). This sequence change replaces aspartic acid, which is acidic and polar, with asparagine, which is neutral and polar, at codon 149 of the SIK1 protein (p.Asp149Asn).